The following is an entry in ClinVar:

ClinVar aggregate classification (germline): Uncertain significance (1 of 4 stars; one submission).

Conditions:
Cardiovascular phenotype. Identifiers: MedGen CN230736.
Long QT syndrome 2 (LQT2). Identifiers: Orphanet 101016, Orphanet 768, MedGen C3150943, MONDO:0013367, OMIM 613688.

Submission:

Ambry Genetics
Classification: Uncertain significance for Cardiovascular phenotype. Last evaluated: 2023-05-09. Review status: criteria provided, single submitter. Criteria: Ambry Variant Classification Scheme 2023. Collection method: clinical testing. Allele origin: germline.
Comment: The p.I642M variant (also known as c.1926C>G), located in coding exon 7 of the KCNH2 gene, results from a C to G substitution at nucleotide position 1926. The isoleucine at codon 642 is replaced by methionine, an amino acid with highly similar properties. This amino acid position is highly conserved in available vertebrate species. In addition, this alteration is predicted to be deleterious by in silico analysis. Since supporting evidence is limited at this time, the clinical significance of this alteration remains unclear.

NM_000238.4(KCNH2):c.1926C>G (p.Ile642Met)

Gene: KCNH2 (potassium voltage-gated channel subfamily H member 2; minus strand). Cytogenetic location: 7q36.1.
Variant type: single nucleotide variant.
Coding change: c.1926C>G on transcript NM_000238.4 (MANE Select); coding-DNA position 1926, C replaced by G.
Protein change: p.Ile642Met; replaces isoleucine 642 with methionine.
Molecular consequence: missense variant.
Genome position (GRCh38, 1-based): chr7:150,951,467, G>C on the plus strand (C>G on the coding strand, the complement: KCNH2 is on the minus strand). VCF-style: chr7-150951467-G-C. GRCh37 (hg19) VCF-style: chr7-150648555-G-C.
Other names: c.906C>G, p.Ile302Met (NM_001204798.2, NM_172057.3); c.1638C>G, p.Ile546Met (NM_001406753.1, NM_001406756.1); c.1749C>G, p.Ile583Met (NM_001406755.1); c.1626C>G, p.Ile542Met (NM_001406757.1); c.1926C>G, p.Ile642Met (NM_172056.3); short protein forms I302M, I642M, I583M, I542M, I546M.
Identifiers: ClinVar variation 973054 (VCV000973054.6), dbSNP rs1801154313, ClinGen allele CA369857833.